The following is an entry in ClinVar:

NM_181861.2(APAF1):c.1336A>T (p.Thr446Ser)

Gene: APAF1 (apoptotic peptidase activating factor 1; plus strand). Cytogenetic location: 12q23.1.
Variant type: single nucleotide variant.
Coding change: c.1336A>T on transcript NM_181861.2 (MANE Select); coding-DNA position 1336, A replaced by T.
Protein change: p.Thr446Ser; replaces threonine 446 with serine.
Molecular consequence: missense variant. On other transcripts: intron variant (1).
Genome position (GRCh38, 1-based): chr12:98,666,331, A>T. VCF-style: chr12-98666331-A-T. GRCh37 (hg19) VCF-style: chr12-99060109-A-T.
Other names: c.1303A>T, p.Thr435Ser (NM_001160.3, NM_013229.3); c.1336A>T, p.Thr446Ser (NM_181868.2); c.955+3525A>T (NM_181869.2); short protein forms T446S, T435S.
Identifiers: ClinVar variation 786933 (VCV000786933.7), dbSNP rs75622772, ClinGen allele CA6733958.

ClinVar aggregate classification (germline): Benign. Review status: criteria provided, multiple submitters, no conflicts (2 of 4 stars). 3 submissions from 3 submitters: Benign (2). 1 of the submissions does not count toward it. Last evaluated 2019-12-31.

Conditions:
APAF1-related disorder. Also called: APAF1-related condition.

Allele frequency attached by ClinVar (database versions not stated): gnomAD 0.01304 and 0.01394; ExAC 0.00407; TOPMed 0.01526; gnomAD exomes 0.00344 and 0.00128; ESP Exome Variant Server 0.01484; 1000 Genomes Project 0.01538; 1000 Genomes Project 30x 0.01577.
gnomAD v4.1: 3,912 of 1,613,254 alleles (0.24%); highest among the groups gnomAD compares: African/African-American, 4.6%; 83 homozygotes.

Submissions (3):

Labcorp Genetics (formerly Invitae), Labcorp
Classification: Benign. Last evaluated: 2019-12-31. Review status: criteria provided, single submitter. Criteria: Invitae Variant Classification Sherloc (09022015). Collection method: clinical testing. Allele origin: germline.

Breakthrough Genomics
Classification: Benign. Review status: criteria provided, single submitter. Criteria: ACMG Guidelines, 2015. Collection method: not provided. Allele origin: germline. Inheritance: Unknown mechanism. Affected: yes.

PreventionGenetics, part of Exact Sciences
Classification: Benign for APAF1-related condition. Last evaluated: 2019-03-21. Review status: no assertion criteria provided. Collection method: clinical testing. Allele origin: germline. Not counted in ClinVar's aggregate classification.
Comment: This variant is classified as benign based on ACMG/AMP sequence variant interpretation guidelines (Richards et al. 2015 PMID: 25741868, with internal and published modifications).